The following is an entry in ClinVar:

NM_058216.3(RAD51C):c.906G>A (p.Gly302=)

Gene: RAD51C (RAD51 paralog C; plus strand). Cytogenetic location: 17q22.
Variant type: single nucleotide variant.
Coding change: c.906G>A on transcript NM_058216.3 (MANE Select); coding-DNA position 906, G replaced by A.
Protein change: p.Gly302=; no amino-acid change (glycine 302 retained).
Molecular consequence: synonymous variant. On other transcripts: non-coding transcript variant (1).
Genome position (GRCh38, 1-based): chr17:58,724,041, G>A. VCF-style: chr17-58724041-G-A. GRCh37 (hg19) VCF-style: chr17-56801402-G-A.
Identifiers: ClinVar variation 822972 (VCV000822972.13), dbSNP rs1598510954, ClinGen allele CA501075895.

ClinVar aggregate classification (germline): Conflicting classifications of pathogenicity. Review status: criteria provided, conflicting classifications (1 of 4 stars). 4 submissions from 4 submitters: Uncertain significance (1); Benign (1); Likely benign (2). Last evaluated 2025-11-10.

Conditions:
Fanconi anemia complementation group O. Also called: RAD51C-Related Fanconi Anemia. Identifiers: Orphanet 84, MedGen C3150653, MONDO:0013248, OMIM 613390.
Breast-ovarian cancer, familial, susceptibility to, 3. Also called: RAD51C-Related Breast/Ovarian Cancer. Identifiers: Orphanet 145, MedGen C3150659, MONDO:0013253, OMIM 613399.
Hereditary cancer-predisposing syndrome. Also called: Hereditary Cancer Syndrome; Neoplastic Syndromes, Hereditary; Hereditary neoplastic syndrome; Tumor predisposition. Identifiers: Orphanet 140162, MedGen C0027672, MeSH D009386, MONDO:0015356.

Allele frequency attached by ClinVar (database versions not stated): gnomAD exomes below 0.00001.
gnomAD v4.1: 2 of 1,612,028 alleles (0.00012%); highest among the groups gnomAD compares: Non-Finnish European, 0.00017%; no homozygotes.

Submissions (4):

Color Diagnostics, LLC DBA Color Health
Classification: Uncertain significance for Hereditary cancer-predisposing syndrome. Last evaluated: 2025-11-10. Review status: criteria provided, single submitter. Criteria: ACMG Guidelines, 2015. Collection method: clinical testing. Allele origin: germline.
Comment: This variant is located in the RAD51C protein. To our knowledge, functional studies have not been reported for this variant. This variant has not been reported in individuals affected with RAD51C-related disorders in the literature. This variant has been identified in 2/1612028 chromosomes in the general population by the Genome Aggregation Database (gnomAD). The available evidence is insufficient to determine the role of this variant in disease conclusively. Therefore, this variant is classified as a Variant of Uncertain Significance.

Myriad Genetics, Inc.
Classification: Benign for Breast-ovarian cancer, familial, susceptibility to, 3. Last evaluated: 2025-02-19. Review status: criteria provided, single submitter. Criteria: Myriad Autosomal Dominant, Autosomal Recessive and X-Linked Classification Criteria (2023). Collection method: clinical testing. Allele origin: unknown.
Comment: This variant is considered benign. This variant is a silent/synonymous amino acid change and it is not expected to impact splicing.

Labcorp Genetics (formerly Invitae), Labcorp
Classification: Likely benign for Fanconi anemia complementation group O. Last evaluated: 2024-05-19. Review status: criteria provided, single submitter. Criteria: Invitae Variant Classification Sherloc (09022015). Collection method: clinical testing. Allele origin: germline.

Ambry Genetics
Classification: Likely benign for Hereditary cancer-predisposing syndrome. Last evaluated: 2019-07-03. Review status: criteria provided, single submitter. Criteria: Ambry Variant Classification Scheme 2023. Collection method: clinical testing. Allele origin: germline.